The following is an entry in ClinVar:

NC_012920.1(MT-ND5):m.13285A>G

Gene: MT-ND5 (mitochondrially encoded NADH dehydrogenase 5; plus strand).
Variant type: single nucleotide variant.
Genome position: chrM-13285-A-G.
Identifiers: ClinVar variation 693542 (VCV000693542.1), dbSNP rs1603224130, ClinGen allele CA414817305.

ClinVar aggregate classification (germline): Likely benign (1 of 4 stars; one submission).

Conditions:
Leigh syndrome (NULS). Also called: Leigh's necrotizing encephalopathy; Leigh's disease; Leigh Syndrome (mtDNA deletion); Leigh Disease; Subacute necrotizing encephalopathy; Necrotizing encephalopathy infantile subacute of Leigh. Identifiers: Orphanet 506, MedGen C2931891, MONDO:0009723, OMIM 256000.

Submission:

Wong Mito Lab, Molecular and Human Genetics, Baylor College of Medicine
Classification: Likely benign for Leigh syndrome. Last evaluated: 2019-10-17. Review status: criteria provided, single submitter. Criteria: Modified ACMG Guidelines (Unpublished). Collection method: clinical testing. Allele origin: germline.
Comment: The NC_012920.1:m.13285A>G (YP_003024036.1:p.Ile317Val) variant in MTND5 gene is interpretated to be a Likely Benign variant based on the modified ACMG guidelines (unpublished). This variant meets the following evidence codes: BS4, BP4